The following is an entry in ClinVar:

ClinVar aggregate classification (germline): Uncertain significance. Review status: criteria provided, multiple submitters, no conflicts (2 of 4 stars). 4 submissions from 4 submitters: Uncertain significance (4). Last evaluated 2025-06-23.

Conditions:
Cystic fibrosis (CF). Also called: MUCOVISCIDOSIS. Identifiers: Orphanet 586, MedGen C0010674, MONDO:0009061, OMIM 219700. Disease mechanism: loss of function.

Allele frequency attached by ClinVar (database versions not stated): gnomAD 0.00001; gnomAD exomes 0.00001.
gnomAD v4.1: 4 of 1,614,014 alleles (0.00025%); highest among the groups gnomAD compares: Middle Eastern, 0.016%; no homozygotes.

Submissions (4):

Ambry Genetics
Classification: Uncertain significance for Cystic fibrosis. Last evaluated: 2025-06-23. Review status: criteria provided, single submitter. Criteria: Ambry Variant Classification Scheme 2023. Collection method: clinical testing. Allele origin: germline.
Comment: The p.C225Y variant (also known as c.674G>A), located in coding exon 6 of the CFTR gene, results from a G to A substitution at nucleotide position 674. The cysteine at codon 225 is replaced by tyrosine, an amino acid with highly dissimilar properties. This amino acid position is well conserved in available vertebrate species. In addition, this alteration is predicted to be deleterious by in silico analysis. Based on the available evidence, the clinical significance of this variant remains unclear.

Women's Health and Genetics/Laboratory Corporation of America, LabCorp
Classification: Uncertain significance. Last evaluated: 2023-07-14. Review status: criteria provided, single submitter. Criteria: LabCorp Variant Classification Summary - May 2015. Collection method: clinical testing. Allele origin: germline.
Comment: Variant summary: CFTR c.674G>A (p.Cys225Tyr) results in a non-conservative amino acid change located in the transmembrane domain (IPR011527) of the encoded protein sequence. Three of five in-silico tools predict a damaging effect of the variant on protein function. The variant was absent in 251420 control chromosomes (gnomAD v2.1, Exomes dataset). The available data on variant occurrences in the general population are insufficient to allow any conclusion about variant significance. c.674G>A has been not been reported in the literature in individuals affected with Chronic Pancreatitis, and has only been reported in unaffected carriers (e.g., Pagin_2016). This report therefore does not provide unequivocal conclusions about association of the variant with Chronic Pancreatitis Risk. To our knowledge, no experimental evidence demonstrating an impact on protein function has been reported. The following publication was ascertained in the context of this evaluation (PMID: 26900683). One submitter has reported clinical-significance assessments for this variant to ClinVar after 2014 and has classified the variant as uncertain significance. Based on the evidence outlined above, the variant was classified as uncertain significance.

Quest Diagnostics Nichols Institute San Juan Capistrano
Classification: Uncertain significance. Last evaluated: 2018-10-24. Review status: criteria provided, single submitter. Criteria: Quest Diagnostics criteria. Collection method: clinical testing. Allele origin: germline.

Breakthrough Genomics
Classification: Uncertain significance. Review status: criteria provided, single submitter. Criteria: ACMG Guidelines, 2015. Collection method: not provided. Allele origin: germline. Inheritance: Autosomal recessive inheritance. Affected: yes.

Literature cited by the submitters: PubMed 23670503 (cited by Ambry Genetics and Quest Diagnostics Nichols Institute San Juan Capistrano); PubMed 26900683 (cited by Women's Health and Genetics/Laboratory Corporation of America, LabCorp); PubMed 25192979 (cited by Quest Diagnostics Nichols Institute San Juan Capistrano); PubMed 29995784 (cited by Quest Diagnostics Nichols Institute San Juan Capistrano); PubMed 10794365 (cited by Quest Diagnostics Nichols Institute San Juan Capistrano); PubMed 11427889 (cited by Quest Diagnostics Nichols Institute San Juan Capistrano); PubMed 24412276 (cited by Quest Diagnostics Nichols Institute San Juan Capistrano).

NM_000492.4(CFTR):c.674G>A (p.Cys225Tyr)

Gene: CFTR (CF transmembrane conductance regulator; plus strand). Cytogenetic location: 7q31.2.
Variant type: single nucleotide variant.
Coding change: c.674G>A on transcript NM_000492.4 (MANE Select); coding-DNA position 674, G replaced by A.
Protein change: p.Cys225Tyr; replaces cysteine 225 with tyrosine.
Molecular consequence: missense variant.
Genome position (GRCh38, 1-based): chr7:117,535,342, G>A. VCF-style: chr7-117535342-G-A. GRCh37 (hg19) VCF-style: chr7-117175396-G-A.
Other names: short protein forms C225Y.
Identifiers: ClinVar variation 801158 (VCV000801158.8), dbSNP rs866473559, ClinGen allele CA164945642.